The following is an entry in ClinVar:

NM_005862.3(STAG1):c.2878G>T (p.Ala960Ser)

Gene: STAG1 (STAG1 cohesin complex component; minus strand). Cytogenetic location: 3q22.3.
Variant type: single nucleotide variant.
Coding change: c.2878G>T on transcript NM_005862.3 (MANE Select); coding-DNA position 2878, G replaced by T.
Protein change: p.Ala960Ser; replaces alanine 960 with serine.
Molecular consequence: missense variant.
Genome position (GRCh38, 1-based): chr3:136,359,206, C>A on the plus strand (G>T on the coding strand, the complement: STAG1 is on the minus strand). VCF-style: chr3-136359206-C-A. GRCh37 (hg19) VCF-style: chr3-136078048-C-A.
Other names: short protein forms A960S.
Identifiers: ClinVar variation 4527353 (VCV004527353.2).

ClinVar aggregate classification (germline): Uncertain significance (1 of 4 stars; one submission).

Submission:

GeneDx
Classification: Uncertain significance. Last evaluated: 2026-05-20. Review status: criteria provided, single submitter. Criteria: GeneDx Variant Classification Process June 2021. Collection method: clinical testing. Allele origin: germline.
Comment: Not observed at significant frequency in large population cohorts (gnomAD); In silico analysis suggests that this missense variant does not alter protein structure/function; Has not been previously published as pathogenic or benign to our knowledge